The following is an entry in ClinVar:

NM_025114.4(CEP290):c.4437+72_4437+75del

Gene: CEP290 (centrosomal protein 290; minus strand). Cytogenetic location: 12q21.32.
Variant type: Deletion.
Coding change: c.4437+72_4437+75del on transcript NM_025114.4 (MANE Select); bases 72 to 75 of the intron after coding-DNA position 4437, 4 bases deleted (CTTT; older notation c.4437+72_4437+75delCTTT).
Molecular consequence: intron variant.
Genome position (GRCh38, 1-based): chr12:88,085,964-88,085,967, AAAG deleted on the plus strand (CTTT on the coding strand, the reverse complement: CEP290 is on the minus strand); deleting any 4 consecutive bases within chr12:88,085,964-88,085,970 gives the same sequence; the c. name uses the placement nearest the transcript's 3' end. VCF-style (leftmost placement, unchanged base first): chr12-88085963-TAAAG-T. GRCh37 (hg19) VCF-style: chr12-88479740-TAAAG-T.
Identifiers: ClinVar variation 679612 (VCV000679612.1), dbSNP rs199937112, ClinGen allele CA241160936.
Genomic context (GRCh38, chr12:88,085,963, plus strand): 5'-TAGGAGAATAGAAAAATAGTGAAATTAGCAATAGATTCATCATTCTATGCATTGCCCTCA[TAAAG>T]AAATATTATTTAGAAAGCCCCCCAAACATACCAAATAATACACTAATCAAAATGCAAATT-3'

ClinVar aggregate classification (germline): Likely benign (1 of 4 stars; one submission).

Submission:

GeneDx
Classification: Likely benign. Last evaluated: 2018-06-16. Review status: criteria provided, single submitter. Criteria: GeneDx Variant Classification (06012015). Collection method: clinical testing. Allele origin: germline. Affected: yes.
Comment: This variant is considered likely benign or benign based on one or more of the following criteria: it is a conservative change, it occurs at a poorly conserved position in the protein, it is predicted to be benign by multiple in silico algorithms, and/or has population frequency not consistent with disease.